The following is an entry in ClinVar:

NM_001253697.2(ERBIN):c.3646dup (p.Thr1216fs)

Gene: ERBIN (erbb2 interacting protein; plus strand). Cytogenetic location: 5q12.3.
Variant type: Duplication.
Coding change: c.3646dup on transcript NM_001253697.2 (MANE Select); coding-DNA position 3646, one base duplicated (A; older notation c.3646dupA).
Protein change: p.Thr1216fs; shifts the reading frame from threonine 1216.
Molecular consequence: frameshift variant. On other transcripts: intron variant (5).
Genome position (GRCh38, 1-based): chr5:66,072,181, A duplicated. VCF-style (leftmost placement, unchanged base first): chr5-66072180-G-GA. GRCh37 (hg19) VCF-style: chr5-65368008-G-GA.
Other names: c.3778-2843dup (NM_001253699.2); c.3634-2843dup (NM_018695.4, NM_001253698.2); c.3634-4135dup (NM_001006600.3); c.3622-2843dup (NM_001253701.2); short protein forms T1216fs.
Identifiers: ClinVar variation 4693036 (VCV004693036.1).
Genomic context (GRCh38, chr5:66,072,180, plus strand): 5'-CACATCTTAAAGAACATTATTTGTTTACTTTTTATTTCCTGCTCATTAGAAGCATCCCCA[G>GA]ACATCCAGTTCAGGAGATCCTTGTCAAGATGGTATATTCATTTCAGGACAGCAGAACTAC-3'

ClinVar aggregate classification (germline): Uncertain significance (1 of 4 stars; one submission).

Submission:

Labcorp Genetics (formerly Invitae), Labcorp
Classification: Uncertain significance. Last evaluated: 2025-10-17. Review status: criteria provided, single submitter. Criteria: Invitae Variant Classification Sherloc (09022015). Collection method: clinical testing. Allele origin: germline.
Comment: This sequence change creates a premature translational stop signal (p.Thr1216Asnfs*26) in the ERBIN gene. It is expected to result in an absent or disrupted protein product. However, the current clinical and genetic evidence is not sufficient to establish whether loss-of-function variants in ERBIN cause disease. This variant is not present in population databases (gnomAD no frequency). This variant has not been reported in the literature in individuals affected with ERBIN-related conditions. Experimental studies and prediction algorithms are not available or were not evaluated, and the functional significance of this variant is currently unknown. In summary, the available evidence is currently insufficient to determine the role of this variant in disease. Therefore, it has been classified as a Variant of Uncertain Significance.